The following is an entry in ClinVar:

ClinVar aggregate classification (germline): Uncertain significance (1 of 4 stars; one submission).

Submission:

Labcorp Genetics (formerly Invitae), Labcorp
Classification: Uncertain significance. Last evaluated: 2024-12-19. Review status: criteria provided, single submitter. Criteria: Invitae Variant Classification Sherloc (09022015). Collection method: clinical testing. Allele origin: germline.
Comment: This sequence change replaces arginine, which is basic and polar, with tryptophan, which is neutral and slightly polar, at codon 29 of the TRPV6 protein (p.Arg29Trp). This variant is present in population databases (no rsID available, gnomAD 0.003%). This variant has not been reported in the literature in individuals affected with TRPV6-related conditions. Experimental studies and prediction algorithms are not available or were not evaluated, and the functional significance of this variant is currently unknown. In summary, the available evidence is currently insufficient to determine the role of this variant in disease. Therefore, it has been classified as a Variant of Uncertain Significance.

NM_018646.6(TRPV6):c.85C>T (p.Arg29Trp)

Gene: TRPV6 (transient receptor potential cation channel subfamily V member 6; minus strand). Cytogenetic location: 7q34.
Variant type: single nucleotide variant.
Coding change: c.85C>T on transcript NM_018646.6 (MANE Select); coding-DNA position 85, C replaced by T.
Protein change: p.Arg29Trp; replaces arginine 29 with tryptophan.
Molecular consequence: missense variant.
Genome position (GRCh38, 1-based): chr7:142,885,552, G>A on the plus strand (C>T on the coding strand, the complement: TRPV6 is on the minus strand). VCF-style: chr7-142885552-G-A. GRCh37 (hg19) VCF-style: chr7-142583297-G-A.
Other names: short protein forms R29W.
Identifiers: ClinVar variation 3699822 (VCV003699822.2).